The following is an entry in ClinVar:

NM_006236.3(POU3F3):c.326_346dup (p.Ala115_Val116insAlaAlaAlaAlaAlaAlaAla)

Gene: POU3F3 (POU class 3 homeobox 3; plus strand). Cytogenetic location: 2q12.1.
Variant type: Duplication.
Coding change: c.326_346dup on transcript NM_006236.3 (MANE Select); coding-DNA positions 326 to 346, 21 bases duplicated (CCGCTGCCGCCGCCGCCGCCG).
Protein change: p.Ala115_Val116insAlaAlaAlaAlaAlaAlaAla.
Molecular consequence: inframe insertion.
Genome position (GRCh38, 1-based): chr2:104,855,836-104,855,856, CCGCTGCCGCCGCCGCCGCCG duplicated; duplicating any 21 consecutive bases within chr2:104,855,820-104,855,856 gives the same sequence; the c. name uses the placement nearest the transcript's 3' end. VCF-style (leftmost placement, unchanged base first): chr2-104855819-C-CGCCGCCGCCGCCGCCGCCGCT. GRCh37 (hg19) VCF-style: chr2-105472277-C-CGCCGCCGCCGCCGCCGCCGCT.
Other names: c.326_346dup, p.Ala115_Val116insAlaAlaAlaAlaAlaAlaAla (NM_001433704.1).
Identifiers: ClinVar variation 4536252 (VCV004536252.1).
Genomic context (GRCh38, chr2:104,855,819, plus strand): 5'-CGCCAGCAACGGCGGCCATATGCTGAGCCACGCGCACCAGTGGGTCACAGCCCTGCCCCA[C>CGCCGCCGCCGCCGCCGCCGCT]GCCGCCGCCGCCGCCGCCGCTGCCGCCGCCGCCGCCGTGGAGGCGAGCTCGCCGTGGTCG-3'

ClinVar aggregate classification (germline): Likely pathogenic (1 of 4 stars; one submission).

Submission:

GeneDx
Classification: Likely pathogenic. Last evaluated: 2025-06-03. Review status: criteria provided, single submitter. Criteria: GeneDx Variant Classification Process June 2021. Collection method: clinical testing. Allele origin: germline. Affected: yes.
Comment: Not observed at significant frequency in large population cohorts (gnomAD); In-frame duplication of 7 amino acids in a non-repeat region; Has not been previously published as pathogenic or benign to our knowledge